The following is an entry in ClinVar:

ClinVar aggregate classification (germline): Pathogenic (1 of 4 stars; one submission).

Conditions:
TRIP11-related disorder. Also called: TRIP11-related condition; TRIP11-Related Disorders.

gnomAD v4.1: 8 of 1,613,852 alleles (0.0005%); highest among the groups gnomAD compares: African/African-American, 0.0013%; no homozygotes.

Submissions (3):

Women's Health and Genetics/Laboratory Corporation of America, LabCorp
Classification: Pathogenic for TRIP11-Related Disorders. Last evaluated: 2026-06-05. Review status: criteria provided, single submitter. Criteria: LabCorp Variant Classification Summary - May 2015. Collection method: clinical testing. Allele origin: germline.
Comment: Variant summary: TRIP11 c.4480C>T (p.Arg1494X) results in a premature termination codon, predicted to cause a truncation of the encoded protein or absence of the protein due to nonsense mediated decay, which are commonly known mechanisms for disease. The variant allele was found at a frequency of 4e-06 in 251336 control chromosomes. To our knowledge, no occurrence of c.4480C>T in individuals affected with TRIP11-related conditions and no experimental evidence demonstrating its impact on protein function have been reported. ClinVar contains an entry for this variant (Variation ID: 4400137). Based on the evidence outlined above, the variant was classified as pathogenic.

Dr. Peter K. Rogan Lab, Western University
No classification provided (evidence only). Condition: Colorectal cancer. Review status: no classification provided. Collection method: in vitro. Allele origin: not applicable. Functional consequence: skipped exon, retained intron. Not counted in ClinVar's aggregate classification.

Dr. Peter K. Rogan Lab, Western University
No classification provided (evidence only). Condition: Thyroid cancer, nonmedullary, 1. Review status: no classification provided. Collection method: in vitro. Allele origin: not applicable. Functional consequence: skipped exon. Not counted in ClinVar's aggregate classification.

NM_004239.4(TRIP11):c.4480C>T (p.Arg1494Ter)

Gene: TRIP11 (thyroid hormone receptor interactor 11; minus strand). Cytogenetic location: 14q32.12.
Variant type: single nucleotide variant.
Coding change: c.4480C>T on transcript NM_004239.4 (MANE Select); coding-DNA position 4480, C replaced by T.
Protein change: p.Arg1494Ter; replaces arginine 1494 with a stop codon.
Molecular consequence: nonsense.
Genome position (GRCh38, 1-based): chr14:92,003,496, G>A on the plus strand (C>T on the coding strand, the complement: TRIP11 is on the minus strand). VCF-style: chr14-92003496-G-A. GRCh37 (hg19) VCF-style: chr14-92469840-G-A.
Other names: NC_000014.8:g.92469840G>A; c.4477C>T, p.Arg1493Ter (NM_001321851.1); short protein forms R1494*, R1493*.
Identifiers: ClinVar variation 4400137 (VCV004400137.2).